The following is an entry in ClinVar:

ClinVar aggregate classification (germline): Uncertain significance. Review status: criteria provided, multiple submitters, no conflicts (2 of 4 stars). 2 submissions from 2 submitters: Uncertain significance (2). Last evaluated 2026-01-08.

Conditions:
LRBA-related disorder. Also called: LRBA-related condition.
Combined immunodeficiency due to LRBA deficiency. Also called: Common variable immunodeficiency 8, with autoimmunity. Identifiers: Orphanet 445018, MedGen C3553512, MONDO:0013863, OMIM 614700.

gnomAD v4.1: 54 of 1,568,656 alleles (0.0034%); highest among the groups gnomAD compares: South Asian, 0.064%; 1 homozygote.

Submissions (2):

Labcorp Genetics (formerly Invitae), Labcorp
Classification: Uncertain significance for Combined immunodeficiency due to LRBA deficiency. Last evaluated: 2026-01-08. Review status: criteria provided, single submitter. Criteria: Invitae Variant Classification Sherloc (09022015). Collection method: clinical testing. Allele origin: germline.
Comment: This sequence change replaces glycine, which is neutral and non-polar, with serine, which is neutral and polar, at codon 2715 of the LRBA protein (p.Gly2715Ser). This variant is present in population databases (rs761576239, gnomAD 0.06%). This missense change has been observed in individual(s) with clinical features of LRBA-related conditions (PMID: 39369972). Invitae Evidence Modeling of protein sequence and biophysical properties (such as structural, functional, and spatial information, amino acid conservation, physicochemical variation, residue mobility, and thermodynamic stability) indicates that this missense variant is not expected to disrupt LRBA protein function with a negative predictive value of 80%. In summary, the available evidence is currently insufficient to determine the role of this variant in disease. Therefore, it has been classified as a Variant of Uncertain Significance.

PreventionGenetics, part of Exact Sciences
Classification: Uncertain significance for LRBA-related condition. Last evaluated: 2025-01-15. Review status: criteria provided, single submitter. Criteria: ACMG Guidelines, 2015. Collection method: clinical testing. Allele origin: germline.
Comment: The LRBA c.8143G>A variant is predicted to result in the amino acid substitution p.Gly2715Ser. To our knowledge, this variant has not been reported in the literature. This variant is reported in 0.063% of alleles in individuals of South Asian descent in gnomAD v2, including zero homozygotes. However, in gnomAD v4 (available only on GRCh38), this variant is reported in 0.064% of alleles in individuals of South Asian descent, including one homozygote. Although we suspect that this variant may be benign, at this time, the clinical significance of this variant is uncertain due to the absence of conclusive functional and genetic evidence.

Literature cited by the submitters: PubMed 39369972 (cited by Labcorp Genetics (formerly Invitae), Labcorp).

NM_001364905.1(LRBA):c.8110G>A (p.Gly2704Ser)

Gene: LRBA (LPS responsive beige-like anchor protein; minus strand). Cytogenetic location: 4q31.3.
Variant type: single nucleotide variant.
Coding change: c.8110G>A on transcript NM_001364905.1 (MANE Select); coding-DNA position 8110, G replaced by A.
Protein change: p.Gly2704Ser; replaces glycine 2704 with serine.
Molecular consequence: missense variant.
Genome position (GRCh38, 1-based): chr4:150,285,942, C>T on the plus strand (G>A on the coding strand, the complement: LRBA is on the minus strand). VCF-style: chr4-150285942-C-T. GRCh37 (hg19) VCF-style: chr4-151207094-C-T.
Other names: c.8107G>A, p.Gly2703Ser (NM_001199282.3); c.8125G>A, p.Gly2709Ser (NM_001367550.1, NM_001440431.1); c.8158G>A, p.Gly2720Ser (NM_001440430.1); c.1828G>A, p.Gly610Ser (NM_001440432.1); c.1822G>A, p.Gly608Ser (NM_001440433.1); c.8143G>A, p.Gly2715Ser (NM_006726.5); c.8143G>A (NM_006726.4); short protein forms G2704S, G2709S, G2720S, G608S, G610S, G2715S, G2703S.
Identifiers: ClinVar variation 4739469 (VCV004739469.2).